The following is an entry in ClinVar:

NM_007294.4(BRCA1):c.473_547+288del

Gene: BRCA1 (BRCA1 DNA repair associated; minus strand). Cytogenetic location: 17q21.31.
Variant type: Deletion.
Coding change: c.473_547+288del on transcript NM_007294.4 (MANE Select); coding-DNA position 473 through 288 bases into the intron after coding-DNA position 547, 363 bases deleted.
Molecular consequence: splice donor variant. On other transcripts: intron variant (2).
Genome position (GRCh38, 1-based): chr17:43,099,487-43,099,849, 363 bases deleted. GRCh37 (hg19): chr17:41,251,505-41,251,867.
Other names: c.332_406+288del (NM_001408458.1, NM_001407922.1, NM_001408469.1 and 61 more transcripts); c.-218-4989_-218-4627del (NM_001407967.1, NM_001407966.1); c.92_166+288del (NM_001407959.1, NM_001408512.1, NM_001408510.1 and 3 more transcripts); c.329_403+288del (NM_001407931.1, NM_001407747.1, NM_001408470.1 and 35 more transcripts); c.89_163+288del (NM_001407962.1); c.263_337+288del (NM_001407885.1, NM_001407886.1, NM_001407881.1 and 37 more transcripts); c.470_544+288del (NM_001407686.1, NM_001408397.1, NM_001407632.1 and 65 more transcripts); c.473_547+288del (NM_001408436.1, NM_001407665.1, NM_001407980.1 and 96 more transcripts); and 5 more.
Identifiers: ClinVar variation 1192524 (VCV001192524.3), dbSNP rs2154527022, ClinGen allele CA2499224596.

ClinVar aggregate classification (germline): Likely pathogenic (0 of 4 stars; one submission).

Conditions:
Breast carcinoma. Also called: Carcinoma of breast. Identifiers: MedGen C0678222, MONDO:0004989, HP:0003002.

Submission:

Medical Genetics Laboratory, Umraniye Training and Research Hospital, University of Health Sciences
Classification: Likely pathogenic for Breast carcinoma. Last evaluated: 2021-08-08. Review status: no assertion criteria provided. Collection method: clinical testing. Allele origin: germline. Affected: yes. Observed: 1 variant allele, 1 heterozygote.
Comment: Diagnosis: Breast Cancer Pathology: Invasive Ductal Carcinoma Estrogen Receptor: - Progesterone Receptor: - HER2 Receptor: -